The following is an entry in ClinVar:

NM_001163809.2(WDR81):c.2790A>G (p.Ser930=)

Gene: WDR81 (WD repeat domain 81; plus strand). Cytogenetic location: 17p13.3.
Variant type: single nucleotide variant.
Coding change: c.2790A>G on transcript NM_001163809.2 (MANE Select); coding-DNA position 2790, A replaced by G.
Protein change: p.Ser930=; no amino-acid change (serine 930 retained).
Molecular consequence: synonymous variant. On other transcripts: intron variant (3).
Genome position (GRCh38, 1-based): chr17:1,727,749, A>G. VCF-style: chr17-1727749-A-G. GRCh37 (hg19) VCF-style: chr17-1631043-A-G.
Other names: c.-123-241A>G (NM_152348.4); c.59-2631A>G (NM_001163673.2); c.-14-2631A>G (NM_001163811.2); c.2790A>G (NM_001163809.1).
Identifiers: ClinVar variation 2647193 (VCV002647193.24), dbSNP rs769050684, ClinGen allele CA286873477.

ClinVar aggregate classification (germline): Likely benign. Review status: criteria provided, single submitter (1 of 4 stars). 2 submissions from 2 submitters: Likely benign (1). 1 of the submissions does not count toward it. Last evaluated 2023-06-01.

Conditions:
WDR81-related disorder. Also called: WDR81-related condition.

Allele frequency attached by ClinVar (database versions not stated): TOPMed below 0.00001; gnomAD exomes 0.00001.

Submissions (2):

CeGaT Center for Human Genetics Tuebingen
Classification: Likely benign. Last evaluated: 2023-06-01. Review status: criteria provided, single submitter. Criteria: CeGaT Center For Human Genetics Tuebingen Variant Classification Criteria Version 2. Collection method: clinical testing. Allele origin: germline. Affected: yes. Observed: 1 variant allele.
Comment: WDR81: BP4, BP7

PreventionGenetics, part of Exact Sciences
Classification: Likely benign for WDR81-related condition. Last evaluated: 2019-10-28. Review status: no assertion criteria provided. Collection method: clinical testing. Allele origin: germline. Not counted in ClinVar's aggregate classification.
Comment: This variant is classified as likely benign based on ACMG/AMP sequence variant interpretation guidelines (Richards et al. 2015 PMID: 25741868, with internal and published modifications).